The following is an entry in ClinVar:

NM_001257180.2(SLC20A2):c.1794+1del

Gene: SLC20A2 (solute carrier family 20 member 2; minus strand). Cytogenetic location: 8p11.21.
Variant type: Deletion.
Coding change: c.1794+1del on transcript NM_001257180.2 (MANE Select); the canonical splice donor site of the intron after coding-DNA position 1794, one base deleted (G; older notation c.1794+1delG).
Molecular consequence: splice donor variant.
Genome position (GRCh38, 1-based): chr8:42,428,757, C deleted on the plus strand (G on the coding strand, the reverse complement: SLC20A2 is on the minus strand); the first of 2 consecutive C bases (chr8:42,428,757-42,428,758); deleting either gives the same sequence. VCF-style (leftmost placement, unchanged base first): chr8-42428756-AC-A. GRCh37 (hg19) VCF-style: chr8-42286274-AC-A.
Other names: c.1794+1del (NM_006749.5, NM_001257181.2).
Identifiers: ClinVar variation 2658585 (VCV002658585.26), dbSNP rs2487076683, ClinGen allele CA2687114410.

ClinVar aggregate classification (germline): Pathogenic/Likely pathogenic. Review status: criteria provided, multiple submitters, no conflicts (2 of 4 stars). 3 submissions from 3 submitters: Pathogenic (2); Likely pathogenic (1). Last evaluated 2026-03-26.

Conditions:
SLC20A2-related disorder. Also called: SLC20A2-related condition.

Submissions (3):

GeneDx
Classification: Pathogenic. Last evaluated: 2026-03-26. Review status: criteria provided, single submitter. Criteria: GeneDx Variant Classification Process June 2021. Collection method: clinical testing. Allele origin: germline.
Comment: Canonical splice site variant predicted to result in a null allele in a gene for which loss of function is a known mechanism of disease; Not observed at significant frequency in large population cohorts (gnomAD); This variant is associated with the following publications: (PMID: 25726928, 36127139)

Blueprint Genetics
Classification: Pathogenic for SLC20A2-related disorders. Last evaluated: 2024-02-12. Review status: criteria provided, single submitter. Criteria: ACMG Guidelines, 2015. Collection method: clinical testing. Allele origin: germline. Affected: yes. Observed: 1 variant allele.

CeGaT Center for Human Genetics Tuebingen
Classification: Likely pathogenic. Last evaluated: 2023-10-01. Review status: criteria provided, single submitter. Criteria: CeGaT Center For Human Genetics Tuebingen Variant Classification Criteria Version 2. Collection method: clinical testing. Allele origin: germline. Affected: yes. Observed: 1 variant allele.
Comment: SLC20A2: PVS1:Strong, PM2, PS4:Supporting